The following is an entry in ClinVar:

ClinVar aggregate classification (germline): Uncertain significance (1 of 4 stars; one submission).

Submission:

Labcorp Genetics (formerly Invitae), Labcorp
Classification: Uncertain significance. Last evaluated: 2022-09-26. Review status: criteria provided, single submitter. Criteria: Invitae Variant Classification Sherloc (09022015). Collection method: clinical testing. Allele origin: germline.
Comment: In summary, the available evidence is currently insufficient to determine the role of this variant in disease. Therefore, it has been classified as a Variant of Uncertain Significance. This variant has not been reported in the literature in individuals affected with SNRPB-related conditions. This variant is not present in population databases (gnomAD no frequency). This sequence change results in a frameshift in the SNRPB gene (p.Met235Asnfs*34). While this is not anticipated to result in nonsense mediated decay, it is expected to disrupt the last 6 amino acid(s) of the SNRPB protein and extend the protein by 27 additional amino acid residues.

NM_003091.4(SNRPB):c.*151dup

Gene: SNRPB (small nuclear ribonucleoprotein polypeptides B and B1; minus strand). Cytogenetic location: 20p13.
Variant type: Duplication.
Coding change: c.*151dup on transcript NM_003091.4 (MANE Select); 151 bases downstream of the stop codon, one base duplicated (G; older notation c.*151dupG).
Molecular consequence: 3 prime UTR variant. On other transcripts: frameshift variant (1).
Genome position (GRCh38, 1-based): chr20:2,461,778, C duplicated on the plus strand (G on the coding strand, the reverse complement: SNRPB is on the minus strand); the first of 3 consecutive C bases (chr20:2,461,778-2,461,780); duplicating any one gives the same sequence. VCF-style (leftmost placement, unchanged base first): chr20-2461777-T-TC. GRCh37 (hg19) VCF-style: chr20-2442423-T-TC.
Other names: c.701dup, p.Met235fs (NM_198216.2); short protein forms M235fs.
Identifiers: ClinVar variation 2032697 (VCV002032697.4), dbSNP rs2514418270, ClinGen allele CA2580097959.